The following is an entry in ClinVar:

ClinVar aggregate classification (germline): Conflicting classifications of pathogenicity. Review status: criteria provided, conflicting classifications (1 of 4 stars). 3 submissions from 3 submitters: Uncertain significance (2); Likely benign (1). Last evaluated 2024-12-06.

Conditions:
Hereditary cancer-predisposing syndrome. Also called: Neoplastic Syndromes, Hereditary; Hereditary Cancer Syndrome; Tumor predisposition; Hereditary neoplastic syndrome. Identifiers: Orphanet 140162, MedGen C0027672, MeSH D009386, MONDO:0015356.
Hereditary breast ovarian cancer syndrome. Also called: Hereditary breast and ovarian cancer syndrome; Hereditary breast and ovarian cancer syndrome (HBOC); BRCA1- and BRCA2-Associated Hereditary Breast and Ovarian Cancer; Hereditary breast and ovarian cancer; Hereditary breast and/or ovarian cancer syndrome; Breast and ovarian cancer. Identifiers: Orphanet 145, MedGen C0677776, MeSH D061325, MONDO:0003582. Disease mechanism: loss of function.

Submissions (3):

Ambry Genetics
Classification: Uncertain significance for Hereditary cancer-predisposing syndrome. Last evaluated: 2024-12-06. Review status: criteria provided, single submitter. Criteria: Ambry Variant Classification Scheme 2023. Collection method: clinical testing. Allele origin: germline.
Comment: The p.L771V variant (also known as c.2311T>G), located in coding exon 10 of the BRCA2 gene, results from a T to G substitution at nucleotide position 2311. The leucine at codon 771 is replaced by valine, an amino acid with highly similar properties. This amino acid position is conserved. In addition, the in silico prediction for this alteration is inconclusive. Based on the available evidence, the clinical significance of this variant remains unclear.

Labcorp Genetics (formerly Invitae), Labcorp
Classification: Uncertain significance for Hereditary breast ovarian cancer syndrome. Last evaluated: 2023-07-16. Review status: criteria provided, single submitter. Criteria: Invitae Variant Classification Sherloc (09022015). Collection method: clinical testing. Allele origin: germline.
Comment: In summary, the available evidence is currently insufficient to determine the role of this variant in disease. Therefore, it has been classified as a Variant of Uncertain Significance. Advanced modeling of protein sequence and biophysical properties (such as structural, functional, and spatial information, amino acid conservation, physicochemical variation, residue mobility, and thermodynamic stability) performed at Invitae indicates that this missense variant is not expected to disrupt BRCA2 protein function. ClinVar contains an entry for this variant (Variation ID: 1036270). This variant has not been reported in the literature in individuals affected with BRCA2-related conditions. This variant is not present in population databases (gnomAD no frequency). This sequence change replaces leucine, which is neutral and non-polar, with valine, which is neutral and non-polar, at codon 771 of the BRCA2 protein (p.Leu771Val).

University of Washington Department of Laboratory Medicine, University of Washington
Classification: Likely benign for Hereditary cancer-predisposing syndrome. Last evaluated: 2023-03-23. Review status: criteria provided, single submitter. Criteria: Dines et al. (Genet Med. 2020). Collection method: curation. Allele origin: germline.
Comment: Missense variant in a coldspot region where missense variants are very unlikely to be pathogenic (PMID:31911673).

BRCA2 exon 11 coldspot. Reclassification based on statistical prior probability.

NM_000059.4(BRCA2):c.2311T>G (p.Leu771Val)

Gene: BRCA2 (BRCA2 DNA repair associated; plus strand). Cytogenetic location: 13q13.1.
Variant type: single nucleotide variant.
Coding change: c.2311T>G on transcript NM_000059.4 (MANE Select); coding-DNA position 2311, T replaced by G.
Protein change: p.Leu771Val; replaces leucine 771 with valine.
Molecular consequence: missense variant.
Genome position (GRCh38, 1-based): chr13:32,336,666, T>G. VCF-style: chr13-32336666-T-G. GRCh37 (hg19) VCF-style: chr13-32910803-T-G.
Other names: c.2311T>G (NM_000059.3); short protein forms L771V.
Identifiers: ClinVar variation 1036270 (VCV001036270.9), dbSNP rs2072454912, ClinGen allele CA387771390.